The following is an entry in ClinVar:

NM_004700.4(KCNQ4):c.871C>T (p.Pro291Ser)

Gene: KCNQ4 (potassium voltage-gated channel subfamily Q member 4; plus strand). Cytogenetic location: 1p34.2.
Variant type: single nucleotide variant.
Coding change: c.871C>T on transcript NM_004700.4 (MANE Select); coding-DNA position 871, C replaced by T.
Protein change: p.Pro291Ser; replaces proline 291 with serine.
Molecular consequence: missense variant.
Genome position (GRCh38, 1-based): chr1:40,819,911, C>T. VCF-style: chr1-40819911-C-T. GRCh37 (hg19) VCF-style: chr1-41285583-C-T.
Other names: c.871C>T, p.Pro291Ser (NM_172163.3); short protein forms P291S.
Identifiers: ClinVar variation 208369 (VCV000208369.2), dbSNP rs797044969, ClinGen allele CA347413.

ClinVar aggregate classification (germline): Pathogenic (0 of 4 stars; one submission).

Conditions:
Autosomal dominant nonsyndromic hearing loss 2A. Also called: Autosomal dominant nonsyndromic deafness 2A; DFNA2 Nonsyndromic Hearing Loss; Deafness, autosomal dominant 2A. Identifiers: Orphanet 90635, MedGen C2677637, MONDO:0010817, OMIM 600101.

Allele frequency attached by ClinVar (database versions not stated): gnomAD exomes below 0.00001.

Submission:

ClinVar Staff, National Center for Biotechnology Information (NCBI)
Classification: Pathogenic for Autosomal dominant nonsyndromic hearing loss 2A. Last evaluated: 2015-08-20. Review status: no assertion criteria provided. Collection method: literature only. Allele origin: germline. Affected: yes.
Comment: This variant used to be reported in GeneReviews NBK1209.

Literature cited by the submitters: PubMed 23717403; PubMed 20301388.